The following is an entry in ClinVar:

NM_001040716.2(PC):c.2830G>C (p.Val944Leu)

Gene: PC (pyruvate carboxylase; minus strand). Cytogenetic location: 11q13.2.
Variant type: single nucleotide variant.
Coding change: c.2830G>C on transcript NM_001040716.2 (MANE Select); coding-DNA position 2830, G replaced by C.
Protein change: p.Val944Leu; replaces valine 944 with leucine.
Molecular consequence: missense variant.
Genome position (GRCh38, 1-based): chr11:66,850,005, C>G on the plus strand (G>C on the coding strand, the complement: PC is on the minus strand). VCF-style: chr11-66850005-C-G. GRCh37 (hg19) VCF-style: chr11-66617476-C-G.
Other names: c.2830G>C, p.Val944Leu (NM_001439359.1, NM_022172.3, NM_000920.4 and 5 more transcripts); short protein forms V944L.
Identifiers: ClinVar variation 4705085 (VCV004705085.1).
Genomic context (GRCh38, chr11:66,850,005, plus strand): 5'-GAAAGGGTTCGGGGAACCCCCCATGGGGGACACCGATGTAGCCCTGCAGGAACTCCACCA[C>G]GGAGCGGGGAAAGGACAGCTCTTCCGCCTGAGCTTCGGCCTCTGCCCGGCTCAATCCATT-3'
Protein context (NP_001035806.1, residues 934-954): QAEELSFPRS[Val944Leu]VEFLQGYIGV

ClinVar aggregate classification (germline): Uncertain significance (1 of 4 stars; one submission).

Conditions:
Pyruvate carboxylase deficiency. Also called: PC DEFICIENCY; Pyruvate Carboxylase Deficiency Disease; ATAXIA WITH LACTIC ACIDOSIS II; LEIGH NECROTIZING ENCEPHALOPATHY DUE TO PYRUVATE CARBOXYLASE DEFICIENCY; LEIGH SYNDROME DUE TO PYRUVATE CARBOXYLASE DEFICIENCY. Identifiers: Orphanet 3008, MedGen C0034341, MONDO:0009949, OMIM 266150.

gnomAD v4.1: 2 of 1,613,684 alleles (0.00012%); highest among the groups gnomAD compares: Non-Finnish European, 0.00017%; no homozygotes.

Submission:

Labcorp Genetics (formerly Invitae), Labcorp
Classification: Uncertain significance for Pyruvate carboxylase deficiency. Last evaluated: 2025-11-23. Review status: criteria provided, single submitter. Criteria: Invitae Variant Classification Sherloc (09022015). Collection method: clinical testing. Allele origin: germline.
Comment: This sequence change replaces valine, which is neutral and non-polar, with leucine, which is neutral and non-polar, at codon 944 of the PC protein (p.Val944Leu). This variant is present in population databases (no rsID available, gnomAD 0.0009%). This variant has not been reported in the literature in individuals affected with PC-related conditions. Invitae Evidence Modeling of protein sequence and biophysical properties (such as structural, functional, and spatial information, amino acid conservation, physicochemical variation, residue mobility, and thermodynamic stability) indicates that this missense variant is not expected to disrupt PC protein function with a negative predictive value of 95%. In summary, the available evidence is currently insufficient to determine the role of this variant in disease. Therefore, it has been classified as a Variant of Uncertain Significance.